The following is an entry in ClinVar:

ClinVar aggregate classification (germline): Uncertain significance (1 of 4 stars; one submission).

Conditions:
Emery-Dreifuss muscular dystrophy 5, autosomal dominant (EDMD5). Also called: EMERY-DREIFUSS MUSCULAR DYSTROPHY 5. Identifiers: Orphanet 261, MedGen C2751805, MONDO:0013072, OMIM 612999.

Allele frequency attached by ClinVar (database versions not stated): gnomAD exomes below 0.00001; TOPMed 0.00002; gnomAD 0.00003.
gnomAD v4.1: 7 of 1,614,046 alleles (0.00043%); highest among the groups gnomAD compares: African/African-American, 0.0093%; no homozygotes.

Submissions (2):

Labcorp Genetics (formerly Invitae), Labcorp
Classification: Uncertain significance for Emery-Dreifuss muscular dystrophy 5, autosomal dominant. Last evaluated: 2022-07-12. Review status: criteria provided, single submitter. Criteria: Invitae Variant Classification Sherloc (09022015). Collection method: clinical testing. Allele origin: germline.
Comment: In summary, the available evidence is currently insufficient to determine the role of this variant in disease. Therefore, it has been classified as a Variant of Uncertain Significance. Algorithms developed to predict the effect of sequence changes on RNA splicing suggest that this variant may create or strengthen a splice site. Algorithms developed to predict the effect of missense changes on protein structure and function output the following: SIFT: "Tolerated"; PolyPhen-2: "Benign"; Align-GVGD: "Class C0". The serine amino acid residue is found in multiple mammalian species, which suggests that this missense change does not adversely affect protein function. ClinVar contains an entry for this variant (Variation ID: 941874). This variant has not been reported in the literature in individuals affected with SYNE2-related conditions. This variant is not present in population databases (gnomAD no frequency). This sequence change replaces alanine, which is neutral and non-polar, with serine, which is neutral and polar, at codon 3547 of the SYNE2 protein (p.Ala3547Ser).

Dr. Peter K. Rogan Lab, Western University
No classification provided (evidence only). Condition: Gastric cancer. Review status: no classification provided. Collection method: in vitro. Allele origin: not applicable. Functional consequence: retained intron. Not counted in ClinVar's aggregate classification.

NM_182914.3(SYNE2):c.10639G>T (p.Ala3547Ser)

Gene: SYNE2 (spectrin repeat containing nuclear envelope protein 2; plus strand). Cytogenetic location: 14q23.2.
Variant type: single nucleotide variant.
Coding change: c.10639G>T on transcript NM_182914.3 (MANE Select); coding-DNA position 10639, G replaced by T.
Protein change: p.Ala3547Ser; replaces alanine 3547 with serine.
Molecular consequence: missense variant.
Genome position (GRCh38, 1-based): chr14:64,070,852, G>T. VCF-style: chr14-64070852-G-T. GRCh37 (hg19) VCF-style: chr14-64537570-G-T.
Other names: c.10639G>T, p.Ala3547Ser (NM_015180.6); short protein forms A3547S.
Identifiers: ClinVar variation 941874 (VCV000941874.10), dbSNP rs1198798280, ClinGen allele CA389936879.